The following is an entry in ClinVar:

NM_000038.6(APC):c.2806A>G (p.Asn936Asp)

Gene: APC (APC regulator of Wnt signaling pathway; plus strand). Cytogenetic location: 5q22.2.
Variant type: single nucleotide variant.
Coding change: c.2806A>G on transcript NM_000038.6 (MANE Select); coding-DNA position 2806, A replaced by G.
Protein change: p.Asn936Asp; replaces asparagine 936 with aspartic acid.
Molecular consequence: missense variant. On other transcripts: non-coding transcript variant (2).
Genome position (GRCh38, 1-based): chr5:112,838,400, A>G. VCF-style: chr5-112838400-A-G. GRCh37 (hg19) VCF-style: chr5-112174097-A-G.
Other names: c.2683A>G, p.Asn895Asp (NM_001354900.2); c.2629A>G, p.Asn877Asp (NM_001354901.2, NM_001407453.1); c.2533A>G, p.Asn845Asp (NM_001354902.2); c.2503A>G, p.Asn835Asp (NM_001354903.2, NM_001407458.1, NM_001407459.1 and 1 more transcripts); c.2428A>G, p.Asn810Asp (NM_001354904.2); c.2326A>G, p.Asn776Asp (NM_001354905.2); c.1957A>G, p.Asn653Asp (NM_001354906.2, NM_001407470.1); c.2890A>G, p.Asn964Asp (NM_001407446.1); and 12 more; short protein forms N552D, N653D, N776D, N807D, N810D, N835D, N845D, N853D.
Identifiers: ClinVar variation 4801456 (VCV004801456.2).

ClinVar aggregate classification (germline): Uncertain significance. Review status: criteria provided, multiple submitters, no conflicts (2 of 4 stars). 2 submissions from 2 submitters: Uncertain significance (2). Last evaluated 2026-07-02.

Conditions:
Familial adenomatous polyposis 1 (FAP1). Also called: FAMILIAL ADENOMATOUS POLYPOSIS 1, ATTENUATED; POLYPOSIS, ADENOMATOUS INTESTINAL. Identifiers: MedGen C2713442, MONDO:0021056, OMIM 175100. Disease mechanism: loss of function.
Hereditary cancer-predisposing syndrome. Also called: Hereditary Cancer Syndrome; Hereditary neoplastic syndrome; Neoplastic Syndromes, Hereditary; Tumor predisposition. Identifiers: Orphanet 140162, MedGen C0027672, MeSH D009386, MONDO:0015356.

Submissions (2):

Ambry Genetics
Classification: Uncertain significance for Hereditary cancer-predisposing syndrome. Last evaluated: 2026-07-02. Review status: criteria provided, single submitter. Criteria: Ambry Variant Classification Scheme 2023. Collection method: clinical testing. Allele origin: germline.
Comment: The p.N936D variant (also known as c.2806A>G), located in coding exon 15 of the APC gene, results from an A to G substitution at nucleotide position 2806. The asparagine at codon 936 is replaced by aspartic acid, an amino acid with highly similar properties. This amino acid position is conserved. In addition, in silico predictors for this gene do not accurately predict pathogenicity. Based on the available evidence, the clinical significance of this variant remains unclear.

Labcorp Genetics (formerly Invitae), Labcorp
Classification: Uncertain significance for Familial adenomatous polyposis 1. Last evaluated: 2025-05-07. Review status: criteria provided, single submitter. Criteria: Invitae Variant Classification Sherloc (09022015). Collection method: clinical testing. Allele origin: germline.
Comment: This sequence change replaces asparagine, which is neutral and polar, with aspartic acid, which is acidic and polar, at codon 936 of the APC protein (p.Asn936Asp). This variant is not present in population databases (gnomAD no frequency). This variant has not been reported in the literature in individuals affected with APC-related conditions. Invitae Evidence Modeling of protein sequence and biophysical properties (such as structural, functional, and spatial information, amino acid conservation, physicochemical variation, residue mobility, and thermodynamic stability) indicates that this missense variant is not expected to disrupt APC protein function with a negative predictive value of 95%. In summary, the available evidence is currently insufficient to determine the role of this variant in disease. Therefore, it has been classified as a Variant of Uncertain Significance.